The following is an entry in ClinVar:

ClinVar aggregate classification (germline): Uncertain significance (1 of 4 stars; one submission).

Submission:

CeGaT Center for Human Genetics Tuebingen
Classification: Uncertain significance. Last evaluated: 2023-01-01. Review status: criteria provided, single submitter. Criteria: CeGaT Center For Human Genetics Tuebingen Variant Classification Criteria Version 2. Collection method: clinical testing. Allele origin: germline. Affected: yes. Observed: 1 variant allele.
Comment: CDH15: PM2, BP4

NM_004933.3(CDH15):c.598G>C (p.Glu200Gln)

Gene: CDH15 (cadherin 15; plus strand). Cytogenetic location: 16q24.3.
Variant type: single nucleotide variant.
Coding change: c.598G>C on transcript NM_004933.3 (MANE Select); coding-DNA position 598, G replaced by C.
Protein change: p.Glu200Gln; replaces glutamic acid 200 with glutamine.
Molecular consequence: missense variant.
Genome position (GRCh38, 1-based): chr16:89,185,268, G>C. VCF-style: chr16-89185268-G-C. GRCh37 (hg19) VCF-style: chr16-89251676-G-C.
Other names: short protein forms E200Q.
Identifiers: ClinVar variation 2647024 (VCV002647024.24), dbSNP rs141084668, ClinGen allele CA397138262.
Genomic context (GRCh38, chr16:89,185,268, plus strand): 5'-GACGACCCCGAGACGGACAACGCAGCGCTGCGGTTCTCCATCCTGCAGCAGGGCAGCCCC[G>C]AGCTCTTCAGCATCGACGAGCTCACAGGAGAGATCCGCACAGTGCAAGTGGGGCTGGACC-3'
Protein context (NP_004924.1, residues 190-210): RFSILQQGSP[Glu200Gln]LFSIDELTGE